The following is an entry in ClinVar:

ClinVar aggregate classification (germline): Uncertain significance (1 of 4 stars; one submission).

Conditions:
Cohen syndrome (COH1). Also called: PEPPER SYNDROME; Cutis verticis gyrata, retinitis pigmentosa, and sensorineural deafness. Identifiers: Orphanet 193, MedGen C0265223, MONDO:0008999, OMIM 216550.

Submission:

Labcorp Genetics (formerly Invitae), Labcorp
Classification: Uncertain significance for Cohen syndrome. Last evaluated: 2022-11-21. Review status: criteria provided, single submitter. Criteria: Invitae Variant Classification Sherloc (09022015). Collection method: clinical testing. Allele origin: germline.
Comment: In summary, the available evidence is currently insufficient to determine the role of this variant in disease. Therefore, it has been classified as a Variant of Uncertain Significance. Advanced modeling of protein sequence and biophysical properties (such as structural, functional, and spatial information, amino acid conservation, physicochemical variation, residue mobility, and thermodynamic stability) performed at Invitae indicates that this missense variant is not expected to disrupt VPS13B protein function. This variant has not been reported in the literature in individuals affected with VPS13B-related conditions. This variant is not present in population databases (gnomAD no frequency). This sequence change replaces lysine, which is basic and polar, with isoleucine, which is neutral and non-polar, at codon 2294 of the VPS13B protein (p.Lys2294Ile).

NM_152564.5(VPS13B):c.6806A>T (p.Lys2269Ile)

Gene: VPS13B (vacuolar protein sorting 13 homolog B; plus strand). Cytogenetic location: 8q22.2.
Variant type: single nucleotide variant.
Coding change: c.6806A>T on transcript NM_152564.5 (MANE Select); coding-DNA position 6806, A replaced by T.
Protein change: p.Lys2269Ile; replaces lysine 2269 with isoleucine.
Molecular consequence: missense variant.
Genome position (GRCh38, 1-based): chr8:99,720,493, A>T. VCF-style: chr8-99720493-A-T. GRCh37 (hg19) VCF-style: chr8-100732721-A-T.
Other names: c.6881A>T, p.Lys2294Ile (NM_017890.5); short protein forms K2294I, K2269I.
Identifiers: ClinVar variation 2077189 (VCV002077189.4), dbSNP rs2491577762, ClinGen allele CA371867849.
Genomic context (GRCh38, chr8:99,720,493, plus strand): 5'-TACAAGTTTCTGAACCAGTGCCTCAAATGTCATCTCCTGTGGAAAAGAATCAGACATTTA[A>T]AAGTGAACAAAGTTCAGATGACCTACGGACAGGTCTATTTCAGTATGTACAGGATGCTGG-3'
Protein context (NP_689777.3, residues 2259-2279): SSPVEKNQTF[Lys2269Ile]SEQSSDDLRT